The following is an entry in ClinVar:

ClinVar aggregate classification (germline): Uncertain significance (1 of 4 stars; one submission).

Conditions:
Cardiovascular phenotype. Identifiers: MedGen CN230736.

Allele frequency attached by ClinVar (database versions not stated): gnomAD exomes below 0.00001.
gnomAD v4.1: 1 of 1,613,596 alleles (0.000062%); highest among the groups gnomAD compares: Non-Finnish European, 0.000085%; no homozygotes.

Submission:

Ambry Genetics
Classification: Uncertain significance for Cardiovascular phenotype. Last evaluated: 2022-09-28. Review status: criteria provided, single submitter. Criteria: Ambry Variant Classification Scheme 2023. Collection method: clinical testing. Allele origin: germline.
Comment: The p.Q356H variant (also known as c.1068G>T), located in coding exon 2 of the JPH2 gene, results from a G to T substitution at nucleotide position 1068. The glutamine at codon 356 is replaced by histidine, an amino acid with highly similar properties. This amino acid position is conserved. In addition, this alteration is predicted to be tolerated by in silico analysis. Since supporting evidence is limited at this time, the clinical significance of this alteration remains unclear.

NM_020433.5(JPH2):c.1068G>T (p.Gln356His)

Gene: JPH2 (junctophilin 2; minus strand). Cytogenetic location: 20q13.12.
Variant type: single nucleotide variant.
Coding change: c.1068G>T on transcript NM_020433.5 (MANE Select); coding-DNA position 1068, G replaced by T.
Protein change: p.Gln356His; replaces glutamine 356 with histidine.
Molecular consequence: missense variant.
Genome position (GRCh38, 1-based): chr20:44,159,719, C>A on the plus strand (G>T on the coding strand, the complement: JPH2 is on the minus strand). VCF-style: chr20-44159719-C-A. GRCh37 (hg19) VCF-style: chr20-42788359-C-A.
Other names: short protein forms Q356H.
Identifiers: ClinVar variation 1782559 (VCV001782559.2), dbSNP rs2515744211, ClinGen allele CA409093052.